The following is an entry in ClinVar:

NM_015512.5(DNAH1):c.10968+5G>C

Gene: DNAH1 (dynein axonemal heavy chain 1; plus strand). Cytogenetic location: 3p21.1.
Variant type: single nucleotide variant.
Coding change: c.10968+5G>C on transcript NM_015512.5 (MANE Select); 5 bases into the intron after coding-DNA position 10968, G replaced by C.
Molecular consequence: intron variant.
Genome position (GRCh38, 1-based): chr3:52,395,064, G>C. VCF-style: chr3-52395064-G-C. GRCh37 (hg19) VCF-style: chr3-52429080-G-C.
Identifiers: ClinVar variation 4787319 (VCV004787319.1).

ClinVar aggregate classification (germline): Uncertain significance (1 of 4 stars; one submission).

Conditions:
Spermatogenic failure 18. Identifiers: MedGen C4539783, MONDO:0054615, OMIM 617576.
Ciliary dyskinesia, primary, 37 (CILD37). Also called: CILIARY DYSKINESIA, PRIMARY, 37, WITH OR WITHOUT SITUS INVERSUS. Identifiers: MedGen C4539798, MONDO:0033204, OMIM 617577.

Submission:

Labcorp Genetics (formerly Invitae), Labcorp
Classification: Uncertain significance for Ciliary dyskinesia, primary, 37; Spermatogenic failure 18. Last evaluated: 2026-01-28. Review status: criteria provided, single submitter. Criteria: Invitae Variant Classification Sherloc (09022015). Collection method: clinical testing. Allele origin: germline.
Comment: This sequence change falls in intron 68 of the DNAH1 gene. It does not directly change the encoded amino acid sequence of the DNAH1 protein. It affects a nucleotide within the consensus splice site. This variant is not present in population databases (gnomAD no frequency). This variant has not been reported in the literature in individuals affected with DNAH1-related conditions. Variants that disrupt the consensus splice site are a relatively common cause of aberrant splicing (PMID: 17576681, 9536098). Algorithms developed to predict the effect of sequence changes on RNA splicing suggest that this variant may disrupt the consensus splice site. In summary, the available evidence is currently insufficient to determine the role of this variant in disease. Therefore, it has been classified as a Variant of Uncertain Significance.

Literature cited by the submitters: PubMed 17576681; PubMed 9536098.